The following is an entry in ClinVar:

NM_003848.4(SUCLG2):c.208G>A (p.Glu70Lys)

Gene: SUCLG2 (succinate-CoA ligase GDP-forming subunit beta; minus strand). Cytogenetic location: 3p14.1.
Variant type: single nucleotide variant.
Coding change: c.208G>A on transcript NM_003848.4 (MANE Select); coding-DNA position 208, G replaced by A.
Protein change: p.Glu70Lys; replaces glutamic acid 70 with lysine.
Molecular consequence: missense variant.
Genome position (GRCh38, 1-based): chr3:67,609,473, C>T on the plus strand (G>A on the coding strand, the complement: SUCLG2 is on the minus strand). VCF-style: chr3-67609473-C-T. GRCh37 (hg19) VCF-style: chr3-67659897-C-T.
Other names: c.208G>A, p.Glu70Lys (NM_001177599.2); c.208G>A (NM_001177599.1); short protein forms E70K.
Identifiers: ClinVar variation 2152758 (VCV002152758.5), dbSNP rs149334981, ClinGen allele CA2486116.

ClinVar aggregate classification (germline): Uncertain significance. Review status: criteria provided, multiple submitters, no conflicts (2 of 4 stars). 3 submissions from 3 submitters: Uncertain significance (3). Last evaluated 2025-12-19.

Allele frequency attached by ClinVar (database versions not stated): gnomAD 0.00024; TOPMed 0.00043; 1000 Genomes Project 30x 0.00062; 1000 Genomes Project 0.00080.
gnomAD v4.1: 102 of 1,612,638 alleles (0.0063%); highest among the groups gnomAD compares: Admixed American, 0.1%; no homozygotes.

Submissions (3):

Labcorp Genetics (formerly Invitae), Labcorp
Classification: Uncertain significance. Last evaluated: 2025-12-19. Review status: criteria provided, single submitter. Criteria: Invitae Variant Classification Sherloc (09022015). Collection method: clinical testing. Allele origin: germline.
Comment: This sequence change replaces glutamic acid, which is acidic and polar, with lysine, which is basic and polar, at codon 70 of the SUCLG2 protein (p.Glu70Lys). This variant is present in population databases (rs149334981, gnomAD 0.05%). This variant has not been reported in the literature in individuals affected with SUCLG2-related conditions. ClinVar contains an entry for this variant (Variation ID: 2152758). An algorithm developed to predict the effect of missense changes on protein structure and function (PolyPhen-2) suggests that this variant is likely to be tolerated. In summary, the available evidence is currently insufficient to determine the role of this variant in disease. Therefore, it has been classified as a Variant of Uncertain Significance.

Ambry Genetics
Classification: Uncertain significance. Last evaluated: 2025-08-04. Review status: criteria provided, single submitter. Criteria: Ambry Variant Classification Scheme 2023. Collection method: clinical testing. Allele origin: germline.

Blueprint Genetics
Classification: Uncertain significance. Last evaluated: 2024-09-23. Review status: criteria provided, single submitter. Criteria: ACMG Guidelines, 2015. Collection method: clinical testing. Allele origin: germline.